The following continues an entry in ClinVar:

NM_001005242.3(PKP2):c.1557-1G>C

Gene: PKP2. ClinVar aggregate classification (germline): Pathogenic/Likely pathogenic. Pathogenic (11); Likely pathogenic (1).

Submissions 11 to 12 of 12:

Greenwood Genetic Center Diagnostic Laboratories, Greenwood Genetic Center
Classification: Pathogenic for Arrhythmogenic right ventricular dysplasia 9. Last evaluated: 2023-03-06. Review status: criteria provided, single submitter. Criteria: ACMG Guidelines, 2015. Collection method: clinical testing. Allele origin: germline.
Comment: PVS1, PM2, PS4_supporting

Laboratory for Molecular Medicine, Mass General Brigham Personalized Medicine
Classification: Pathogenic for Arrhythmogenic right ventricular cardiomyopathy. Last evaluated: 2018-07-10. Review status: criteria provided, single submitter. Criteria: ACMG Guidelines, 2015. Collection method: clinical testing. Allele origin: germline. Inheritance: Autosomal dominant inheritance.
Comment: The c.1689-1G>C variant in PKP2 has been reported in 3 individuals with ARVC (Barahona-Dussault 2010, Fressart 2010, Walsh 2017) and has been identified in 5/24016 African chromosomes by the Genome Aggregation Database (gnomAD; dbSNP rs78897684). This variant has also been reported in ClinVar (Variation ID 201989). This variant occurs in the invariant region (+/- 1,2) of the splice consensus sequence and is predicted to cause altered splicing leading to an abnormal or absent protein. Heterozygous loss of function of the PKP2 gene is an established disease mechanism in ARVC. In summary, this variant meets criteria to be classified as pathogenic for ARVC in an autosomal dominant manner based upon clinical data and predicted impact on protein. ACMG/AMP criteria applied: PVS1, PM2_Supporting, PS4_Supporting.

Literature cited by the submitters: PubMed 16199547 (cited by Labcorp Genetics (formerly Invitae), Labcorp and All of Us Research Program, National Institutes of Health); PubMed 15489853 (cited by 3 submitters); PubMed 17041889 (cited by Labcorp Genetics (formerly Invitae), Labcorp); PubMed 23911551 (cited by 3 submitters); PubMed 19863551 (cited by 6 submitters); PubMed 20400443 (cited by 6 submitters); PubMed 27532257 (cited by 4 submitters); PubMed 2391155 (cited by Variantyx, Inc.); PubMed 30790397 (cited by 3 submitters); PubMed 36129056 (cited by Color Diagnostics, LLC DBA Color Health); PubMed 27831900 (cited by Ambry Genetics and Laboratory for Molecular Medicine, Mass General Brigham Personalized Medicine); PubMed 16415378 (cited by All of Us Research Program, National Institutes of Health); PubMed 16799251 (cited by All of Us Research Program, National Institutes of Health); PubMed 22214898 (cited by All of Us Research Program, National Institutes of Health); PubMed 23514727 (cited by All of Us Research Program, National Institutes of Health); PubMed 24704780 (cited by All of Us Research Program, National Institutes of Health); PubMed 29038103 (cited by All of Us Research Program, National Institutes of Health); PubMed 34120153 (cited by All of Us Research Program, National Institutes of Health); PubMed 35536239 (cited by All of Us Research Program, National Institutes of Health); PubMed 36720007 (cited by All of Us Research Program, National Institutes of Health); PubMed 28523642 (cited by Laboratory for Molecular Medicine, Mass General Brigham Personalized Medicine); PubMed 26112193 (cited by Laboratory for Molecular Medicine, Mass General Brigham Personalized Medicine); PubMed 34697415 (cited by Laboratory for Molecular Medicine, Mass General Brigham Personalized Medicine); PubMed 31402444 (cited by Laboratory for Molecular Medicine, Mass General Brigham Personalized Medicine); PubMed 31447099 (cited by Laboratory for Molecular Medicine, Mass General Brigham Personalized Medicine).